The following is an entry in ClinVar:

ClinVar aggregate classification (germline): Pathogenic/Likely pathogenic. Review status: criteria provided, multiple submitters, no conflicts (2 of 4 stars). 4 submissions from 4 submitters: Pathogenic (1); Likely pathogenic (3). Last evaluated 2026-01-22.

Conditions:
Inherited polyposis and early onset colorectal cancer - germline testing.
Hereditary cancer-predisposing syndrome. Also called: Hereditary Cancer Syndrome; Hereditary neoplastic syndrome; Neoplastic Syndromes, Hereditary; Tumor predisposition. Identifiers: Orphanet 140162, MedGen C0027672, MeSH D009386, MONDO:0015356.
Gastric adenocarcinoma and proximal polyposis of the stomach (GAPPS). Also called: Polyposis, gastric, Dos Santos and de Magalhaes 1980; POLYPOSIS, GASTRIC; Gastric Adenocarcinoma and Proximal Polyposis of the Stomach (GAPPS). Identifiers: Orphanet 314022, MedGen C4749917, MONDO:0017790, OMIM 619182.
Colorectal cancer. Also called: Colorectal cancer, somatic; Malignant Colorectal Neoplasm. Identifiers: MedGen C0346629, MONDO:0005575, OMIM 114500.
Desmoid disease, hereditary (DESMD). Also called: FIBROMATOSIS, FAMILIAL INFILTRATIVE. Identifiers: Orphanet 873, MedGen C1851124, OMIM 135290. Disease mechanism: loss of function.
Familial adenomatous polyposis 1 (FAP1). Also called: FAMILIAL ADENOMATOUS POLYPOSIS 1, ATTENUATED; POLYPOSIS, ADENOMATOUS INTESTINAL. Identifiers: MedGen C2713442, MONDO:0021056, OMIM 175100. Disease mechanism: loss of function.
Gastric cancer. Also called: Malignant tumor of stomach; Stomach cancer. Identifiers: MedGen C0024623, MeSH D013274, MONDO:0001056, OMIM 613659, HP:0012126.
Hepatocellular carcinoma (HCC). Also called: HEPATOMA; LIVER CELL CARCINOMA; Primary carcinoma of liver. Identifiers: Orphanet 88673, MedGen C2239176, MONDO:0007256, OMIM 114550, HP:0001402.

Submissions (4):

Cambridge Genomics Laboratory, East Genomic Laboratory Hub, NHS Genomic Medicine Service
Classification: Likely pathogenic for Inherited polyposis and early onset colorectal cancer - germline testing. Last evaluated: 2026-01-22. Review status: criteria provided, single submitter. Criteria: ACGS Best Practice Guidelines for Variant Classification in Rare Disease 2020. Collection method: clinical testing. Allele origin: germline. Affected: yes.
Comment: PS3,PS4_Moderate,PM2_Supporting,PP1

Ambry Genetics
Classification: Pathogenic for Hereditary cancer-predisposing syndrome. Last evaluated: 2025-05-01. Review status: criteria provided, single submitter. Criteria: Ambry Variant Classification Scheme 2023. Collection method: clinical testing. Allele origin: germline.
Comment: The c.423-12A>G intronic pathogenic mutation results from an A to G substitution 12 nucleotides upstream from coding exon 4 in the APC gene. This nucleotide position is poorly conserved in available vertebrate species. This variant has been observed in individuals with a personal and/or family history that is consistent with familial adenomatous polyposis (Ambry internal data; Jarry, J et al. Fam Cancer 2011 Dec;10(4):659-65.). In silico splice site analysis predicts that this alteration will weaken the native splice acceptor site and will result in the creation or strengthening of a novel splice acceptor site. RNA studies have demonstrated that this alteration results in abnormal splicing in the set of samples tested (Ambry internal data). This variant is considered to be rare based on population cohorts in the Genome Aggregation Database (gnomAD). Based on the supporting evidence, this variant is interpreted as a disease-causing mutation.

Myriad Genetics, Inc.
Classification: Likely pathogenic for Familial adenomatous polyposis 1. Last evaluated: 2023-04-26. Review status: criteria provided, single submitter. Criteria: Myriad Autosomal Dominant, Autosomal Recessive and X-Linked Classification Criteria (2023). Collection method: clinical testing. Allele origin: unknown.
Comment: This variant is considered likely pathogenic. mRNA analysis has demonstrated abnormal mRNA splicing occurs [PMID: 21779980].

Department of Pathology and Laboratory Medicine, Sinai Health System
Classification: Likely pathogenic for Colorectal cancer; Hepatocellular carcinoma; Desmoid disease, hereditary; Familial adenomatous polyposis 1; Gastric cancer; Gastric adenocarcinoma and proximal polyposis of the stomach. Review status: criteria provided, single submitter. Criteria: ACMG Guidelines, 2015. Collection method: clinical testing. Allele origin: germline.

Literature cited by the submitters: PubMed 21779980 (cited by Myriad Genetics, Inc.).

NM_000038.6(APC):c.423-12A>G

Gene: APC (APC regulator of Wnt signaling pathway; plus strand). Cytogenetic location: 5q22.2.
Variant type: single nucleotide variant.
Coding change: c.423-12A>G on transcript NM_000038.6 (MANE Select); 12 bases into the intron before coding-DNA position 423, A replaced by G.
Molecular consequence: intron variant.
Genome position (GRCh38, 1-based): chr5:112,775,617, A>G. VCF-style: chr5-112775617-A-G. GRCh37 (hg19) VCF-style: chr5-112111314-A-G.
Other names: c.-613-12A>G (NM_001407470.1, NM_001407472.1, NM_001354906.2 and 1 more transcripts); c.423-12A>G (NM_001407447.1, NM_001354895.2, NM_001407456.1 and 17 more transcripts); c.453-12A>G (NM_001407446.1, NM_001354897.2, NM_001354902.2 and 1 more transcripts); c.246-12A>G (NM_001407453.1, NM_001354900.2, NM_001354901.2 and 1 more transcripts); c.348-12A>G (NM_001407451.1, NM_001354898.2, NM_001354904.2).
Identifiers: ClinVar variation 2583948 (VCV002583948.5), dbSNP rs2532409654, ClinGen allele CA2573130421.
Genomic context (GRCh38, chr5:112,775,617, plus strand): 5'-TGTAAGTATTGCTCTTCTGCAGTCTTTATTAGCATTGTTTAAACGTACCTTTTTTTAAAA[A>G]AAAAAAAATAGGTCATTGCTTCTTGCTGATCTTGACAAAGAAGAAAAGGAAAAAGACTGG-3'